The following is an entry in ClinVar:

ClinVar aggregate classification (germline): Uncertain significance (1 of 4 stars; one submission).

Conditions:
Developmental and epileptic encephalopathy, 11 (DEE11). Also called: Early infantile epileptic encephalopathy 11. Identifiers: Orphanet 1934, MedGen C3150987, MONDO:0013388, OMIM 613721.
Seizures, benign familial infantile, 3 (BFIS3). Also called: Familial neonatal seizures; CONVULSIONS, BENIGN FAMILIAL INFANTILE, 3. Identifiers: Orphanet 140927, Orphanet 306, MedGen C1843140, MONDO:0011904, OMIM 607745.

Submission:

Labcorp Genetics (formerly Invitae), Labcorp
Classification: Uncertain significance for Seizures, benign familial infantile, 3; Developmental and epileptic encephalopathy, 11. Last evaluated: 2023-08-17. Review status: criteria provided, single submitter. Criteria: Invitae Variant Classification Sherloc (09022015). Collection method: clinical testing. Allele origin: germline.
Comment: In summary, the available evidence is currently insufficient to determine the role of this variant in disease. Therefore, it has been classified as a Variant of Uncertain Significance. Advanced modeling of protein sequence and biophysical properties (such as structural, functional, and spatial information, amino acid conservation, physicochemical variation, residue mobility, and thermodynamic stability) has been performed at Invitae for this missense variant, however the output from this modeling did not meet the statistical confidence thresholds required to predict the impact of this variant on SCN2A protein function. This variant has not been reported in the literature in individuals affected with SCN2A-related conditions. This variant is not present in population databases (gnomAD no frequency). This sequence change replaces glutamic acid, which is acidic and polar, with valine, which is neutral and non-polar, at codon 1153 of the SCN2A protein (p.Glu1153Val).

NM_001040142.2(SCN2A):c.3458A>T (p.Glu1153Val)

Gene: SCN2A (sodium voltage-gated channel alpha subunit 2; plus strand). Cytogenetic location: 2q24.3.
Variant type: single nucleotide variant.
Coding change: c.3458A>T on transcript NM_001040142.2 (MANE Select); coding-DNA position 3458, A replaced by T.
Protein change: p.Glu1153Val; replaces glutamic acid 1153 with valine.
Molecular consequence: missense variant.
Genome position (GRCh38, 1-based): chr2:165,365,201, A>T. VCF-style: chr2-165365201-A-T. GRCh37 (hg19) VCF-style: chr2-166221711-A-T.
Other names: c.3458A>T, p.Glu1153Val (NM_001040143.2, NM_001371246.1, NM_001371247.1 and 1 more transcripts); short protein forms E1153V.
Identifiers: ClinVar variation 2951075 (VCV002951075.3), dbSNP rs2468061428, ClinGen allele CA349024670.